The following is an entry in ClinVar:

ClinVar aggregate classification (germline): Uncertain significance (1 of 4 stars; one submission).

Submission:

GeneDx
Classification: Uncertain significance. Last evaluated: 2023-12-11. Review status: criteria provided, single submitter. Criteria: GeneDx Variant Classification Process June 2021. Collection method: clinical testing. Allele origin: germline. Affected: yes.
Comment: Not observed at significant frequency in large population cohorts (gnomAD); In silico analysis supports that this missense variant has a deleterious effect on protein structure/function; Has not been previously published as pathogenic or benign to our knowledge; Occurs in the triple helical domain at the Y position in the canonical Gly-X-Y repeat; although this variant may have an effect on normal protein folding and function, missense substitution at the Y position is not a common mechanism of disease

NM_001845.6(COL4A1):c.2929C>T (p.Pro977Ser)

Gene: COL4A1 (collagen type IV alpha 1 chain; minus strand). Cytogenetic location: 13q34.
Variant type: single nucleotide variant.
Coding change: c.2929C>T on transcript NM_001845.6 (MANE Select); coding-DNA position 2929, C replaced by T.
Protein change: p.Pro977Ser; replaces proline 977 with serine.
Molecular consequence: missense variant.
Genome position (GRCh38, 1-based): chr13:110,176,665, G>A on the plus strand (C>T on the coding strand, the complement: COL4A1 is on the minus strand). VCF-style: chr13-110176665-G-A. GRCh37 (hg19) VCF-style: chr13-110829012-G-A.
Other names: short protein forms P977S.
Identifiers: ClinVar variation 3253106 (VCV003253106.1), dbSNP rs2501776328.
Genomic context (GRCh38, chr13:110,176,665, plus strand): 5'-GACCGGAGCTCCACACTGTACCTGGCTGCCCAGGCTGTCCTGCCTGCCCGTCCTTTCCAG[G>A]CACTCCTGGGGTCCCAGGGTCTCCTCGGGATCCCTTCTCACCAATTGGTCCAATTTGTCC-3'
Protein context (NP_001836.3, residues 967-987): SRGDPGTPGV[Pro977Ser]GKDGQAGQPG